The following is an entry in ClinVar:

ClinVar aggregate classification (germline): Uncertain significance (1 of 4 stars; one submission).

Allele frequency attached by ClinVar (database versions not stated): ExAC 0.00001.
gnomAD v4.1: 2 of 1,614,152 alleles (0.00012%); highest among the groups gnomAD compares: Admixed American, 0.0017%; no homozygotes.

Submission:

Ambry Genetics
Classification: Uncertain significance. Last evaluated: 2023-10-11. Review status: criteria provided, single submitter. Criteria: Ambry Variant Classification Scheme 2023. Collection method: clinical testing. Allele origin: germline.
Comment: The p.C98F variant (also known as c.293G>T), located in coding exon 3 of the ALPK2 gene, results from a G to T substitution at nucleotide position 293. The cysteine at codon 98 is replaced by phenylalanine, an amino acid with highly dissimilar properties. This amino acid position is conserved. In addition, the in silico prediction for this alteration is inconclusive. Since supporting evidence is limited at this time, the clinical significance of this alteration remains unclear.

NM_052947.4(ALPK2):c.293G>T (p.Cys98Phe)

Gene: ALPK2 (alpha kinase 2; minus strand). Cytogenetic location: 18q21.31.
Variant type: single nucleotide variant.
Coding change: c.293G>T on transcript NM_052947.4 (MANE Select); coding-DNA position 293, G replaced by T.
Protein change: p.Cys98Phe; replaces cysteine 98 with phenylalanine.
Molecular consequence: missense variant.
Genome position (GRCh38, 1-based): chr18:58,580,483, C>A on the plus strand (G>T on the coding strand, the complement: ALPK2 is on the minus strand). VCF-style: chr18-58580483-C-A. GRCh37 (hg19) VCF-style: chr18-56247715-C-A.
Other names: short protein forms C98F.
Identifiers: ClinVar variation 3228662 (VCV003228662.1), dbSNP rs756244798, ClinGen allele CA8977476.
Genomic context (GRCh38, chr18:58,580,483, plus strand): 5'-TCCAGGTTAGGAGACAATTGTGGGTTCTCTGATGAGCACTCAACCTCAACGGAAGCAGAA[C>A]AACAGATCATTCCAAAAGAGTTTTTAGCCGAGATTTGATAGACAGCAGCATCATTTTTGG-3'
Protein context (NP_443179.3, residues 88-108): SAKNSFGMIC[Cys98Phe]SASVEVECSS